The following is an entry in ClinVar:

NM_000701.8(ATP1A1):c.2934dup (p.Arg979Ter)

Genes: ATP1A1 (ATPase Na+/K+ transporting subunit alpha 1; plus strand), ATP1A1-AS1 (ATP1A1 antisense RNA 1; minus strand). Cytogenetic location: 1p13.1.
Variant type: Duplication.
Coding change: c.2934dup on transcript NM_000701.8 (MANE Select); coding-DNA position 2934, one base duplicated (T; older notation c.2934dupT).
Protein change: p.Arg979Ter; replaces arginine 979 with a stop codon.
Molecular consequence: nonsense.
Genome position (GRCh38, 1-based): chr1:116,401,638, T duplicated; the last of 2 consecutive T bases (chr1:116,401,637-116,401,638); duplicating either gives the same sequence. VCF-style (leftmost placement, unchanged base first): chr1-116401636-C-CT. GRCh37 (hg19) VCF-style: chr1-116944258-C-CT.
Other names: c.2934dup, p.Arg979Ter (NM_001160233.2); c.2841dup, p.Arg948Ter (NM_001160234.2); short protein forms R948*, R979*.
Identifiers: ClinVar variation 2816825 (VCV002816825.3), dbSNP rs2525896150, ClinGen allele CA2739275219.

ClinVar aggregate classification (germline): Uncertain significance (1 of 4 stars; one submission).

Submission:

Labcorp Genetics (formerly Invitae), Labcorp
Classification: Uncertain significance. Last evaluated: 2022-11-26. Review status: criteria provided, single submitter. Criteria: Invitae Variant Classification Sherloc (09022015). Collection method: clinical testing. Allele origin: germline.
Comment: In summary, the available evidence is currently insufficient to determine the role of this variant in disease. Therefore, it has been classified as a Variant of Uncertain Significance. This variant has not been reported in the literature in individuals affected with ATP1A1-related conditions. This variant is not present in population databases (gnomAD no frequency). This sequence change creates a premature translational stop signal (p.Arg979*) in the ATP1A1 gene. It is expected to result in an absent or disrupted protein product. However, the current clinical and genetic evidence is not sufficient to establish whether loss-of-function variants in ATP1A1 cause disease.